The following is an entry in ClinVar:

ClinVar aggregate classification (germline): Uncertain significance. Review status: criteria provided, multiple submitters, no conflicts (2 of 4 stars). 2 submissions from 2 submitters: Uncertain significance (2). Last evaluated 2025-09-29.

Conditions:
Lysinuric protein intolerance (LPI). Identifiers: Orphanet 470, MedGen C0268647, MONDO:0009109, OMIM 222700.

Submissions (2):

Labcorp Genetics (formerly Invitae), Labcorp
Classification: Uncertain significance for Lysinuric protein intolerance. Last evaluated: 2025-09-29. Review status: criteria provided, single submitter. Criteria: Invitae Variant Classification Sherloc (09022015). Collection method: clinical testing. Allele origin: germline.
Comment: This sequence change replaces leucine, which is neutral and non-polar, with phenylalanine, which is neutral and non-polar, at codon 261 of the SLC7A7 protein (p.Leu261Phe). This variant is not present in population databases (gnomAD no frequency). This variant has not been reported in the literature in individuals affected with SLC7A7-related conditions. ClinVar contains an entry for this variant (Variation ID: 1016005). An algorithm developed to predict the effect of missense changes on protein structure and function (PolyPhen-2) suggests that this variant is likely to be disruptive. In summary, the available evidence is currently insufficient to determine the role of this variant in disease. Therefore, it has been classified as a Variant of Uncertain Significance.

Blueprint Genetics
Classification: Uncertain significance. Last evaluated: 2024-07-23. Review status: criteria provided, single submitter. Criteria: ACMG Guidelines, 2015. Collection method: clinical testing. Allele origin: germline.

NM_003982.4(SLC7A7):c.781C>T (p.Leu261Phe)

Gene: SLC7A7 (solute carrier family 7 member 7; minus strand). Cytogenetic location: 14q11.2.
Variant type: single nucleotide variant.
Coding change: c.781C>T on transcript NM_003982.4 (MANE Select); coding-DNA position 781, C replaced by T.
Protein change: p.Leu261Phe; replaces leucine 261 with phenylalanine.
Molecular consequence: missense variant.
Genome position (GRCh38, 1-based): chr14:22,776,308, G>A on the plus strand (C>T on the coding strand, the complement: SLC7A7 is on the minus strand). VCF-style: chr14-22776308-G-A. GRCh37 (hg19) VCF-style: chr14-23245517-G-A.
Other names: c.781C>T, p.Leu261Phe (NM_001126105.3, NM_001126106.4); short protein forms L261F.
Identifiers: ClinVar variation 1016005 (VCV001016005.9), dbSNP rs2038606088, ClinGen allele CA388923838.